The following is an entry in ClinVar:

ClinVar aggregate classification (germline): Benign. Review status: criteria provided, multiple submitters, no conflicts (2 of 4 stars). 9 submissions from 9 submitters: Benign (9). Last evaluated 2026-09-01.

Conditions:
Cardiovascular phenotype. Identifiers: MedGen CN230736.
Ehlers-Danlos syndrome (EDS). Identifiers: Orphanet 98249, MedGen C0013720, MONDO:0020066.

Allele frequency attached by ClinVar (database versions not stated): 1000 Genomes Project 30x 0.00344; 1000 Genomes Project 0.00419; TOPMed 0.00811; gnomAD 0.00867 and 0.00868; ESP Exome Variant Server 0.00922.
gnomAD v4.1: 15,844 of 1,613,638 alleles (0.98%); highest among the groups gnomAD compares: Non-Finnish European, 1.1%; 84 homozygotes.

Submissions (9):

CeGaT Center for Human Genetics Tuebingen
Classification: Benign. Last evaluated: 2026-09-01. Review status: criteria provided, single submitter. Criteria: CeGaT Center For Human Genetics Tuebingen Variant Classification Criteria Version 2. Collection method: clinical testing. Allele origin: germline. Affected: yes. Observed: 50 variant alleles.
Comment: TNXB: BP4, BP7, BS1, BS2

Labcorp Genetics (formerly Invitae), Labcorp
Classification: Benign. Last evaluated: 2026-02-04. Review status: criteria provided, single submitter. Criteria: Invitae Variant Classification Sherloc (09022015). Collection method: clinical testing. Allele origin: germline.

Women's Health and Genetics/Laboratory Corporation of America, LabCorp
Classification: Benign. Last evaluated: 2026-01-22. Review status: criteria provided, single submitter. Criteria: LabCorp Variant Classification Summary - May 2015. Collection method: clinical testing. Allele origin: germline.

Mayo Clinic Laboratories, Mayo Clinic
Classification: Benign. Last evaluated: 2025-03-04. Review status: criteria provided, single submitter. Criteria: ACMG Guidelines, 2015. Collection method: clinical testing. Allele origin: germline. Observed: 80 variant alleles.
Comment: BS1, BS2, BP4, BP7

Blueprint Genetics
Classification: Benign. Last evaluated: 2024-11-20. Review status: criteria provided, single submitter. Criteria: ACMG Guidelines, 2015. Collection method: clinical testing. Allele origin: germline.

Genome Diagnostics Laboratory, The Hospital for Sick Children
Classification: Benign for Ehlers-Danlos syndrome. Last evaluated: 2022-06-02. Review status: criteria provided, single submitter. Criteria: ACMG Guidelines, 2015. Collection method: clinical testing. Allele origin: germline.

GeneDx
Classification: Benign. Last evaluated: 2019-07-19. Review status: criteria provided, single submitter. Criteria: GeneDx Variant Classification Process June 2021. Collection method: clinical testing. Allele origin: germline. Affected: yes.

Ambry Genetics
Classification: Benign for Cardiovascular phenotype. Last evaluated: 2019-02-08. Review status: criteria provided, single submitter. Criteria: Ambry Variant Classification Scheme 2023. Collection method: clinical testing. Allele origin: germline.

PreventionGenetics, part of Exact Sciences
Classification: Benign. Review status: criteria provided, single submitter. Criteria: ACMG Guidelines, 2015. Collection method: clinical testing. Allele origin: germline.

NM_001365276.2(TNXB):c.8601C>T (p.Pro2867=)

Gene: TNXB (tenascin XB; minus strand). Cytogenetic location: 6p21.33.
Variant type: single nucleotide variant.
Coding change: c.8601C>T on transcript NM_001365276.2 (MANE Select); coding-DNA position 8601, C replaced by T.
Protein change: p.Pro2867=; no amino-acid change (proline 2867 retained).
Molecular consequence: synonymous variant.
Genome position (GRCh38, 1-based): chr6:32,053,578, G>A on the plus strand (C>T on the coding strand, the complement: TNXB is on the minus strand). VCF-style: chr6-32053578-G-A. GRCh37 (hg19) VCF-style: chr6-32021355-G-A.
Other names: p.Pro2865=; c.8595C>T, p.Pro2865= (NM_019105.8).
Identifiers: ClinVar variation 261170 (VCV000261170.42), dbSNP rs61740712, ClinGen allele CA3733790.
Genomic context (GRCh38, chr6:32,053,578, plus strand): 5'-CACCTTGGGCTGCCCATCCCCATTCCTGTACTGGACCAGGAAGTGGTCAAACTGGCCCTC[G>A]GGGACCATCCAGGACAGGCTGAGGGAGTCAGGGGTGGCATCTGTCACGGTCAGCTCCCCG-3'
Protein context (NP_001352205.1, residues 2857-2877): PDSLSLSWMV[Pro2867=]EGQFDHFLVQ